The following is an entry in ClinVar:

NM_001277115.2(DNAH11):c.7255C>G (p.Leu2419Val)

Gene: DNAH11 (dynein axonemal heavy chain 11; plus strand). Cytogenetic location: 7p15.3.
Variant type: single nucleotide variant.
Coding change: c.7255C>G on transcript NM_001277115.2 (MANE Select); coding-DNA position 7255, C replaced by G.
Protein change: p.Leu2419Val; replaces leucine 2419 with valine.
Molecular consequence: missense variant.
Genome position (GRCh38, 1-based): chr7:21,720,845, C>G. VCF-style: chr7-21720845-C-G. GRCh37 (hg19) VCF-style: chr7-21760463-C-G.
Other names: c.7276C>G, p.Leu2426Val (NM_003777.3); short protein forms L2419V, L2426V.
Identifiers: ClinVar variation 3221492 (VCV003221492.1), dbSNP rs2535018549, ClinGen allele CA366944288.

ClinVar aggregate classification (germline): Uncertain significance (1 of 4 stars; one submission).

Conditions:
Primary ciliary dyskinesia. Also called: Ciliary dyskinesia. Identifiers: Orphanet 244, MedGen C0008780, MONDO:0016575, HP:0012265.

Submission:

Ambry Genetics
Classification: Uncertain significance for Primary ciliary dyskinesia. Last evaluated: 2016-05-20. Review status: criteria provided, single submitter. Criteria: Ambry Variant Classification Scheme 2023. Collection method: clinical testing. Allele origin: germline.
Comment: The p.L2419V variant (also known as c.7255C>G), located in coding exon 44 of the DNAH11 gene, results from a C to G substitution at nucleotide position 7255. The leucine at codon 2419 is replaced by valine, an amino acid with highly similar properties. This variant was not reported in population based cohorts in the following databases: Database of Single Nucleotide Polymorphisms (dbSNP), NHLBI Exome Sequencing Project (ESP), and 1000 Genomes Project. In the ESP, this variant was not observed in 5974 samples (11948 alleles) with coverage at this position. This amino acid position is not well conserved in available vertebrate species. In addition, this alteration is predicted to be tolerated by SIFT in silico analysis. Since supporting evidence is limited at this time, the clinical significance of this variant remains unclear.